The following is an entry in ClinVar:

NM_025114.4(CEP290):c.2090C>G (p.Ala697Gly)

Gene: CEP290 (centrosomal protein 290; minus strand). Cytogenetic location: 12q21.32.
Variant type: single nucleotide variant.
Coding change: c.2090C>G on transcript NM_025114.4 (MANE Select); coding-DNA position 2090, C replaced by G.
Protein change: p.Ala697Gly; replaces alanine 697 with glycine.
Molecular consequence: missense variant.
Genome position (GRCh38, 1-based): chr12:88,111,821, G>C on the plus strand (C>G on the coding strand, the complement: CEP290 is on the minus strand). VCF-style: chr12-88111821-G-C. GRCh37 (hg19) VCF-style: chr12-88505598-G-C.
Other names: short protein forms A697G.
Identifiers: ClinVar variation 695268 (VCV000695268.48), dbSNP rs200454865, ClinGen allele CA6712401.

ClinVar aggregate classification (germline): Conflicting classifications of pathogenicity. Review status: criteria provided, conflicting classifications (1 of 4 stars). 14 submissions from 10 submitters: Uncertain significance (9); Benign (1); Likely benign (2). 2 of the submissions do not count toward it. Last evaluated 2026-01-25.

Conditions:
CEP290-related ciliopathy. Also called: CEP290 ciliopathy. Identifiers: MedGen CN305601, MONDO:0100451.
CEP290-related disorder. Also called: CEP290-related disorders; CEP290-related condition. Identifiers: MedGen CN239314.
Leber congenital amaurosis (LCA). Also called: Leber's amaurosis. Identifiers: Orphanet 65, MedGen C0339527, MeSH D057130, MONDO:0018998.
Leber congenital amaurosis 10 (LCA10). Identifiers: Orphanet 65, MedGen C1857821, MONDO:0012723, OMIM 611755.
Bardet-Biedl syndrome 14 (BBS14). Identifiers: Orphanet 110, MedGen C2673874, MONDO:0014442, OMIM 615991.
Joubert syndrome 5 (JBTS5). Identifiers: Orphanet 2318, MedGen C1857780, MONDO:0012432, OMIM 610188.
Senior-Loken syndrome 6 (SLSN6). Identifiers: Orphanet 3156, MedGen C1857779, MONDO:0012433, OMIM 610189.
Meckel syndrome, type 4 (MKS4). Also called: MECKEL-GRUBER SYNDROME, TYPE 4. Identifiers: Orphanet 564, MedGen C1970161, MONDO:0012626, OMIM 611134.
Nephronophthisis. Also called: Juvenile Nephronophthisis. Identifiers: Orphanet 655, MedGen C0687120, MONDO:0019005, HP:0000090.
Meckel-Gruber syndrome. Also called: Dysencephalia splachnocystica; GRUBER SYNDROME; DYSENCEPHALIA SPLANCHNOCYSTICA. Identifiers: Orphanet 564, MedGen C0265215, MONDO:0018921.
Joubert syndrome. Also called: Familial aplasia of the vermis; JOUBERT-BOLTSHAUSER SYNDROME. Identifiers: Orphanet 475, MedGen C5979921, MONDO:0018772.

Allele frequency attached by ClinVar (database versions not stated): TOPMed 0.00024; ESP Exome Variant Server 0.00034.
gnomAD v4.1: 369 of 1,600,832 alleles (0.023%); highest among the groups gnomAD compares: Middle Eastern, 0.05%; no homozygotes.

Submissions (14):

Labcorp Genetics (formerly Invitae), Labcorp
Classification: Benign for Joubert syndrome; Meckel-Gruber syndrome; Nephronophthisis. Last evaluated: 2026-01-25. Review status: criteria provided, single submitter. Criteria: Invitae Variant Classification Sherloc (09022015). Collection method: clinical testing. Allele origin: germline.

Dasa
Classification: Uncertain significance. Last evaluated: 2025-10-10. Review status: criteria provided, single submitter. Criteria: DASA Assertion Criteria. Collection method: clinical testing. Allele origin: germline.
Comment: NM_025114.4(CEP290):c.2090C>G (p.Ala697Gly) is a missense variant that results in the substitution of alanine with glycine. This variant has been observed in affected individuals with CEP290-related disorders. Also, this variant is rare in population databases. The currently available literature and clinical evidence are not sufficient to establish a definitive association between this variant and the reported condition. Therefore, this variant is classified as a variant of uncertain significance.

Blueprint Genetics
Classification: Uncertain significance. Last evaluated: 2024-11-22. Review status: criteria provided, single submitter. Criteria: ACMG Guidelines, 2015. Collection method: clinical testing. Allele origin: germline.

CeGaT Center for Human Genetics Tuebingen
Classification: Likely benign. Last evaluated: 2023-12-01. Review status: criteria provided, single submitter. Criteria: CeGaT Center For Human Genetics Tuebingen Variant Classification Criteria Version 2. Collection method: clinical testing. Allele origin: germline. Affected: yes. Observed: 2 variant alleles.
Comment: CEP290: BP4

Department of Pathology and Laboratory Medicine, Sinai Health System
Classification: Uncertain significance for CEP290-related ciliopathy. Last evaluated: 2023-04-21. Review status: criteria provided, single submitter. Criteria: ACMG Guidelines, 2015. Collection method: research. Allele origin: germline.

GeneDx
Classification: Likely benign. Last evaluated: 2021-03-01. Review status: criteria provided, single submitter. Criteria: GeneDx Variant Classification Process June 2021. Collection method: clinical testing. Allele origin: germline. Affected: yes.

New York Genome Center
Classification: Uncertain significance for Bardet-Biedl syndrome 14. Last evaluated: 2021-01-26. Review status: criteria provided, single submitter. Criteria: NYGC Assertion Criteria 2020. Collection method: clinical testing. Allele origin: germline. Observed: 1 heterozygote.

Illumina Laboratory Services, Illumina
Classification: Uncertain significance for Senior-Loken syndrome 6. Last evaluated: 2018-01-12. Review status: criteria provided, single submitter. Criteria: ICSL Variant Classification Criteria 13 December 2019. Collection method: clinical testing. Allele origin: germline.

Illumina Laboratory Services, Illumina
Classification: Uncertain significance for Joubert syndrome 5. Last evaluated: 2018-01-12. Review status: criteria provided, single submitter. Criteria: ICSL Variant Classification Criteria 13 December 2019. Collection method: clinical testing. Allele origin: germline.

Illumina Laboratory Services, Illumina
Classification: Uncertain significance for Bardet-Biedl syndrome 14. Last evaluated: 2018-01-12. Review status: criteria provided, single submitter. Criteria: ICSL Variant Classification Criteria 13 December 2019. Collection method: clinical testing. Allele origin: germline.

Illumina Laboratory Services, Illumina
Classification: Uncertain significance for Meckel syndrome, type 4. Last evaluated: 2018-01-12. Review status: criteria provided, single submitter. Criteria: ICSL Variant Classification Criteria 13 December 2019. Collection method: clinical testing. Allele origin: germline.

Illumina Laboratory Services, Illumina
Classification: Uncertain significance for Leber congenital amaurosis 10. Last evaluated: 2018-01-12. Review status: criteria provided, single submitter. Criteria: ICSL Variant Classification Criteria 13 December 2019. Collection method: clinical testing. Allele origin: germline.

Natera, Inc.
Classification: Uncertain significance for Leber congenital amaurosis. Last evaluated: 2020-04-17. Review status: no assertion criteria provided. Collection method: clinical testing. Allele origin: germline. Not counted in ClinVar's aggregate classification.

PreventionGenetics, part of Exact Sciences
Classification: Likely benign for CEP290-related condition. Last evaluated: 2019-11-20. Review status: no assertion criteria provided. Collection method: clinical testing. Allele origin: germline. Not counted in ClinVar's aggregate classification.
Comment: This variant is classified as likely benign based on ACMG/AMP sequence variant interpretation guidelines (Richards et al. 2015 PMID: 25741868, with internal and published modifications).